The following is an entry in ClinVar:

NM_001130965.3(SUN1):c.1045C>T (p.Pro349Ser)

Gene: SUN1 (Sad1 and UNC84 domain containing 1; plus strand). Cytogenetic location: 7p22.3.
Variant type: single nucleotide variant.
Coding change: c.1045C>T on transcript NM_001130965.3 (MANE Select); coding-DNA position 1045, C replaced by T.
Protein change: p.Pro349Ser; replaces proline 349 with serine.
Molecular consequence: missense variant. On other transcripts: non-coding transcript variant (3).
Genome position (GRCh38, 1-based): chr7:852,944, C>T. VCF-style: chr7-852944-C-T. GRCh37 (hg19) VCF-style: chr7-892581-C-T.
Other names: c.1156C>T, p.Pro386Ser (NM_001367664.1, NM_001367685.1, NM_001367696.1); c.1042C>T, p.Pro348Ser (NM_001367665.1, NM_001367694.1); c.1288C>T, p.Pro430Ser (NM_001367666.1, NM_001367655.1); c.1006C>T, p.Pro336Ser (NM_001367667.1, NM_001367689.1, NM_001367645.1); c.1087C>T, p.Pro363Ser (NM_001367668.1, NM_001367647.1); c.1072C>T, p.Pro358Ser (NM_001367669.1); c.895C>T, p.Pro299Ser (NM_001367670.1, NM_001367660.1); c.892C>T, p.Pro298Ser (NM_001367671.1, NM_001367662.1); and 38 more; short protein forms P232S, P326S, P327S, P336S, P348S, P363S, P365S, P377S.
Identifiers: ClinVar variation 3172110 (VCV003172110.2), dbSNP rs750993586, ClinGen allele CA4112044.

ClinVar aggregate classification (germline): Uncertain significance. Review status: criteria provided, multiple submitters, no conflicts (2 of 4 stars). 2 submissions from 2 submitters: Uncertain significance (2). Last evaluated 2025-04-09.

Conditions:
Emery-Dreifuss muscular dystrophy (EDMD). Also called: Scapuloperoneal syndrome, X-linked (formerly); Humeroperoneal neuromuscular disease, (formerly). Identifiers: Orphanet 261, MedGen C0410189, MONDO:0016830.

Allele frequency attached by ClinVar (database versions not stated): gnomAD exomes below 0.00001; ExAC 0.00001; gnomAD 0.00001; TOPMed 0.00001.

Submissions (2):

Labcorp Genetics (formerly Invitae), Labcorp
Classification: Uncertain significance for Emery-Dreifuss muscular dystrophy. Last evaluated: 2025-04-09. Review status: criteria provided, single submitter. Criteria: Invitae Variant Classification Sherloc (09022015). Collection method: clinical testing. Allele origin: germline.
Comment: This sequence change replaces proline, which is neutral and non-polar, with serine, which is neutral and polar, at codon 349 of the SUN1 protein (p.Pro349Ser). This variant is present in population databases (rs750993586, gnomAD 0.02%). This variant has not been reported in the literature in individuals affected with SUN1-related conditions. ClinVar contains an entry for this variant (Variation ID: 3172110). An algorithm developed to predict the effect of missense changes on protein structure and function (PolyPhen-2) suggests that this variant is likely to be disruptive. In summary, the available evidence is currently insufficient to determine the role of this variant in disease. Therefore, it has been classified as a Variant of Uncertain Significance.

Ambry Genetics
Classification: Uncertain significance. Last evaluated: 2023-09-22. Review status: criteria provided, single submitter. Criteria: Ambry Variant Classification Scheme 2023. Collection method: clinical testing. Allele origin: germline.